The following is an entry in ClinVar:

NM_000334.4(SCN4A):c.3172C>T (p.Arg1058Trp)

Genes: GH-LCR (growth hormone locus control region; plus strand), SCN4A (sodium voltage-gated channel alpha subunit 4; minus strand). Cytogenetic location: 17q23.3.
Variant type: single nucleotide variant.
Coding change: c.3172C>T on transcript NM_000334.4 (MANE Select); coding-DNA position 3172, C replaced by T.
Protein change: p.Arg1058Trp; replaces arginine 1058 with tryptophan.
Molecular consequence: missense variant.
Genome position (GRCh38, 1-based): chr17:63,948,036, G>A on the plus strand (C>T on the coding strand, the complement: SCN4A is on the minus strand). VCF-style: chr17-63948036-G-A. GRCh37 (hg19) VCF-style: chr17-62025396-G-A.
Other names: short protein forms R1058W.
Identifiers: ClinVar variation 2183511 (VCV002183511.7), dbSNP rs764018183, ClinGen allele CA8709360.
Genomic context (GRCh38, chr17:63,948,036, plus strand): 5'-TGATGAAGATGTAGGTGAAGACCTTGTCGGCATATTCTAGGATGGTGCGAATGACTCGCC[G>A]CTGCTCAATGTAGATGTCCTCGAAGGCCTGGGGGCACCAGCACCACCAGGGTGGCTGGGG-3'
Protein context (NP_000325.4, residues 1048-1068): LAFEDIYIEQ[Arg1058Trp]RVIRTILEYA

ClinVar aggregate classification (germline): Uncertain significance. Review status: criteria provided, multiple submitters, no conflicts (2 of 4 stars). 2 submissions from 2 submitters: Uncertain significance (2). Last evaluated 2024-01-31.

Conditions:
Hyperkalemic periodic paralysis. Also called: Familial hyperkalemic periodic paralysis; Gamstorp disease. Identifiers: Orphanet 682, MedGen C0238357, MONDO:0008224, OMIM 170500, HP:0007215.

Allele frequency attached by ClinVar (database versions not stated): TOPMed below 0.00001; gnomAD 0.00001; ExAC 0.00002.
gnomAD v4.1: 5 of 1,610,816 alleles (0.00031%); highest among the groups gnomAD compares: Admixed American, 0.0033%; no homozygotes.

Submissions (2):

Labcorp Genetics (formerly Invitae), Labcorp
Classification: Uncertain significance for Hyperkalemic periodic paralysis. Last evaluated: 2024-01-31. Review status: criteria provided, single submitter. Criteria: Invitae Variant Classification Sherloc (09022015). Collection method: clinical testing. Allele origin: germline.
Comment: This sequence change replaces arginine, which is basic and polar, with tryptophan, which is neutral and slightly polar, at codon 1058 of the SCN4A protein (p.Arg1058Trp). The frequency data for this variant in the population databases is considered unreliable, as metrics indicate poor data quality at this position in the gnomAD database. This variant has not been reported in the literature in individuals affected with SCN4A-related conditions. ClinVar contains an entry for this variant (Variation ID: 2183511). Advanced modeling of protein sequence and biophysical properties (such as structural, functional, and spatial information, amino acid conservation, physicochemical variation, residue mobility, and thermodynamic stability) performed at Invitae indicates that this missense variant is expected to disrupt SCN4A protein function with a positive predictive value of 80%. In summary, the available evidence is currently insufficient to determine the role of this variant in disease. Therefore, it has been classified as a Variant of Uncertain Significance.

Revvity Omics, Revvity
Classification: Uncertain significance. Last evaluated: 2019-10-15. Review status: criteria provided, single submitter. Criteria: ACMG Guidelines, 2015. Collection method: clinical testing. Allele origin: germline.